The following is an entry in ClinVar:

ClinVar aggregate classification (germline): Uncertain significance (1 of 4 stars; one submission).

Conditions:
X-linked intellectual disability Cabezas type (MRXSC). Also called: CABEZAS SYNDROME; MENTAL RETARDATION, X-LINKED, SYNDROMIC 15; Intellectual developmental disorder, X-linked syndromic, Cabezas type. Identifiers: Orphanet 85289, Orphanet 85293, MedGen C1845861, MONDO:0010306, OMIM 300354.

Submission:

Victorian Clinical Genetics Services, Murdoch Childrens Research Institute
Classification: Uncertain significance for X-linked intellectual disability Cabezas type. Last evaluated: 2022-06-24. Review status: criteria provided, single submitter. Criteria: ACMG Guidelines, 2015. Collection method: clinical testing. Allele origin: germline. Inheritance: X-linked recessive inheritance. Affected: yes.
Comment: Based on the classification scheme VCGS_Germline_v1.3.4, this variant is classified as VUS-3A. Following criteria are met: 0102 - Loss of function is a known mechanism of disease in this gene and is associated with X-linked syndromic intellectual developmental disorder, Cabezas type (MIM#300354). (I) 0109 - This gene is associated with X-linked recessive disease. (I) 0200 - Variant is predicted to result in a missense amino acid change from histidine to tyrosine. (I) 0253 - This variant is hemizygous. (I) 0301 - Variant is absent from gnomAD (both v2 and v3). (SP) 0502 - Missense variant with conflicting in silico predictions and uninformative conservation. (I) 0603 - Missense variant in a region that is highly intolerant to missense variation (high constraint region in DECIPHER). (SP) 0705 - No comparable missense variants have previous evidence for pathogenicity. (I) 0807 - This variant has no previous evidence of pathogenicity. (I) 0905 - No published segregation evidence has been identified for this variant. (I) 1007 - No published functional evidence has been identified for this variant. (I) 1208 - Inheritance information for this variant is not currently available in this individual. (I) Legend: (SP) - Supporting pathogenic, (I) - Information, (SB) - Supporting benign

NM_001079872.2(CUL4B):c.2092C>T (p.His698Tyr)

Gene: CUL4B (cullin 4B; minus strand). Cytogenetic location: Xq24.
Variant type: single nucleotide variant.
Coding change: c.2092C>T on transcript NM_001079872.2 (MANE Select); coding-DNA position 2092, C replaced by T.
Protein change: p.His698Tyr; replaces histidine 698 with tyrosine.
Molecular consequence: missense variant.
Genome position (GRCh38, 1-based): chrX:120,535,898, G>A on the plus strand (C>T on the coding strand, the complement: CUL4B is on the minus strand). VCF-style: chrX-120535898-G-A. GRCh37 (hg19) VCF-style: chrX-119669753-G-A.
Other names: c.2107C>T, p.His703Tyr (NM_001330624.2); c.1558C>T, p.His520Tyr (NM_001369145.1); c.2146C>T, p.His716Tyr (NM_003588.4); short protein forms H520Y, H698Y, H703Y, H716Y.
Identifiers: ClinVar variation 1699504 (VCV001699504.3), dbSNP rs2147325555, ClinGen allele CA414194785.